The following is an entry in ClinVar:

NM_000229.2(LCAT):c.980G>T (p.Gly327Val)

Gene: LCAT (lecithin-cholesterol acyltransferase; minus strand). Cytogenetic location: 16q22.1.
Variant type: single nucleotide variant.
Coding change: c.980G>T on transcript NM_000229.2 (MANE Select); coding-DNA position 980, G replaced by T.
Protein change: p.Gly327Val; replaces glycine 327 with valine.
Molecular consequence: missense variant.
Genome position (GRCh38, 1-based): chr16:67,940,247, C>A on the plus strand (G>T on the coding strand, the complement: LCAT is on the minus strand). VCF-style: chr16-67940247-C-A. GRCh37 (hg19) VCF-style: chr16-67974150-C-A.
Other names: short protein forms G327V.
Identifiers: ClinVar variation 1768284 (VCV001768284.6), dbSNP rs751757278, ClinGen allele CA8120923.

ClinVar aggregate classification (germline): Uncertain significance. Review status: criteria provided, multiple submitters, no conflicts (2 of 4 stars). 3 submissions from 3 submitters: Uncertain significance (3). Last evaluated 2024-02-27.

Conditions:
Fish-eye disease (FED). Also called: ALPHA-LCAT DEFICIENCY; DYSLIPOPROTEINEMIC CORNEAL DYSTROPHY; LCATA DEFICIENCY. Identifiers: Orphanet 650, Orphanet 79292, MedGen C0342895, MONDO:0007620, OMIM 136120.
Norum disease. Also called: Familial lecithin cholesterol acyltransferase deficiency. Identifiers: Orphanet 79293, MedGen C0023195, MONDO:0009515, OMIM 245900.
Cardiovascular phenotype. Identifiers: MedGen CN230736.

Allele frequency attached by ClinVar (database versions not stated): gnomAD 0.00001; ExAC 0.00003; gnomAD exomes 0.00003; TOPMed 0.00003.
gnomAD v4.1: 40 of 1,613,658 alleles (0.0025%); highest among the groups gnomAD compares: Non-Finnish European, 0.0033%; no homozygotes.

Submissions (3):

Fulgent Genetics
Classification: Uncertain significance for Fish-eye disease; Norum disease. Last evaluated: 2024-02-27. Review status: criteria provided, single submitter. Criteria: ACMG Guidelines, 2015. Collection method: clinical testing. Allele origin: germline.

Labcorp Genetics (formerly Invitae), Labcorp
Classification: Uncertain significance. Last evaluated: 2022-12-18. Review status: criteria provided, single submitter. Criteria: Invitae Variant Classification Sherloc (09022015). Collection method: clinical testing. Allele origin: germline.
Comment: This sequence change replaces glycine, which is neutral and non-polar, with valine, which is neutral and non-polar, at codon 327 of the LCAT protein (p.Gly327Val). This variant is present in population databases (rs751757278, gnomAD 0.003%). This variant has not been reported in the literature in individuals affected with LCAT-related conditions. ClinVar contains an entry for this variant (Variation ID: 1768284). Advanced modeling of protein sequence and biophysical properties (such as structural, functional, and spatial information, amino acid conservation, physicochemical variation, residue mobility, and thermodynamic stability) performed at Invitae indicates that this missense variant is not expected to disrupt LCAT protein function. In summary, the available evidence is currently insufficient to determine the role of this variant in disease. Therefore, it has been classified as a Variant of Uncertain Significance.

Ambry Genetics
Classification: Uncertain significance for Cardiovascular phenotype. Last evaluated: 2022-04-09. Review status: criteria provided, single submitter. Criteria: Ambry Variant Classification Scheme 2023. Collection method: clinical testing. Allele origin: germline.
Comment: The p.G327V variant (also known as c.980G>T), located in coding exon 6 of the LCAT gene, results from a G to T substitution at nucleotide position 980. The glycine at codon 327 is replaced by valine, an amino acid with dissimilar properties. This amino acid position is conserved. In addition, the in silico prediction for this alteration is inconclusive. Since supporting evidence is limited at this time, the clinical significance of this alteration remains unclear.